The following is an entry in ClinVar:

NM_015512.5(DNAH1):c.4168C>T (p.Pro1390Ser)

Gene: DNAH1 (dynein axonemal heavy chain 1; plus strand). Cytogenetic location: 3p21.1.
Variant type: single nucleotide variant.
Coding change: c.4168C>T on transcript NM_015512.5 (MANE Select); coding-DNA position 4168, C replaced by T.
Protein change: p.Pro1390Ser; replaces proline 1390 with serine.
Molecular consequence: missense variant.
Genome position (GRCh38, 1-based): chr3:52,358,639, C>T. VCF-style: chr3-52358639-C-T. GRCh37 (hg19) VCF-style: chr3-52392655-C-T.
Other names: short protein forms P1390S.
Identifiers: ClinVar variation 933298 (VCV000933298.9), dbSNP rs552886396, ClinGen allele CA2433824.

ClinVar aggregate classification (germline): Uncertain significance. Review status: criteria provided, multiple submitters, no conflicts (2 of 4 stars). 2 submissions from 2 submitters: Uncertain significance (2). Last evaluated 2025-08-23.

Conditions:
Ciliary dyskinesia, primary, 37 (CILD37). Also called: CILIARY DYSKINESIA, PRIMARY, 37, WITH OR WITHOUT SITUS INVERSUS. Identifiers: MedGen C4539798, MONDO:0033204, OMIM 617577.
Spermatogenic failure 18. Identifiers: MedGen C4539783, MONDO:0054615, OMIM 617576.

Allele frequency attached by ClinVar (database versions not stated): gnomAD below 0.00001 and 0.00001; TOPMed below 0.00001; ExAC 0.00003; gnomAD exomes 0.00004; 1000 Genomes Project 30x 0.00016; 1000 Genomes Project 0.00020.
gnomAD v4.1: 40 of 1,613,290 alleles (0.0025%); highest among the groups gnomAD compares: South Asian, 0.04%; no homozygotes.

Submissions (2):

Ambry Genetics
Classification: Uncertain significance. Last evaluated: 2025-08-23. Review status: criteria provided, single submitter. Criteria: Ambry Variant Classification Scheme 2023. Collection method: clinical testing. Allele origin: germline.

Labcorp Genetics (formerly Invitae), Labcorp
Classification: Uncertain significance for Ciliary dyskinesia, primary, 37; Spermatogenic failure 18. Last evaluated: 2024-06-08. Review status: criteria provided, single submitter. Criteria: Invitae Variant Classification Sherloc (09022015). Collection method: clinical testing. Allele origin: germline.
Comment: This sequence change replaces proline, which is neutral and non-polar, with serine, which is neutral and polar, at codon 1390 of the DNAH1 protein (p.Pro1390Ser). This variant is present in population databases (rs552886396, gnomAD 0.03%). This variant has not been reported in the literature in individuals affected with DNAH1-related conditions. ClinVar contains an entry for this variant (Variation ID: 933298). Advanced modeling of protein sequence and biophysical properties (such as structural, functional, and spatial information, amino acid conservation, physicochemical variation, residue mobility, and thermodynamic stability) performed at Invitae indicates that this missense variant is expected to disrupt DNAH1 protein function with a positive predictive value of 80%. In summary, the available evidence is currently insufficient to determine the role of this variant in disease. Therefore, it has been classified as a Variant of Uncertain Significance.